The following is an entry in ClinVar:

NM_001142800.2(EYS):c.5645-2A>G

Gene: EYS (EGF-like photoreceptor maintenance factor; minus strand). Cytogenetic location: 6q12.
Variant type: single nucleotide variant.
Coding change: c.5645-2A>G on transcript NM_001142800.2 (MANE Select); the canonical splice acceptor site of the intron before coding-DNA position 5645, A replaced by G.
Molecular consequence: splice acceptor variant.
Genome position (GRCh38, 1-based): chr6:64,439,354, T>C on the plus strand (A>G on the coding strand, the complement: EYS is on the minus strand). VCF-style: chr6-64439354-T-C. GRCh37 (hg19) VCF-style: chr6-65149247-T-C.
Other names: c.5645-2A>G (NM_001292009.2).
Identifiers: ClinVar variation 4773405 (VCV004773405.1).

ClinVar aggregate classification (germline): Likely pathogenic (1 of 4 stars; one submission).

Submission:

Labcorp Genetics (formerly Invitae), Labcorp
Classification: Likely pathogenic. Last evaluated: 2026-01-20. Review status: criteria provided, single submitter. Criteria: Invitae Variant Classification Sherloc (09022015). Collection method: clinical testing. Allele origin: germline.
Comment: This sequence change affects an acceptor splice site in intron 26 of the EYS gene. It is expected to disrupt RNA splicing. Variants that disrupt the donor or acceptor splice site typically lead to a loss of protein function (PMID: 16199547), and loss-of-function variants in EYS are known to be pathogenic (PMID: 18836446, 20333770). This variant is not present in population databases (gnomAD no frequency). This variant has not been reported in the literature in individuals affected with EYS-related conditions. Algorithms developed to predict the effect of sequence changes on RNA splicing suggest that this variant may disrupt the consensus splice site. In summary, the currently available evidence indicates that the variant is pathogenic, but additional data are needed to prove that conclusively. Therefore, this variant has been classified as Likely Pathogenic.

Literature cited by the submitters: PubMed 16199547; PubMed 18836446; PubMed 20333770.